The following is an entry in ClinVar:

NM_000784.4(CYP27A1):c.536del (p.Asn179fs)

Gene: CYP27A1 (cytochrome P450 family 27 subfamily A member 1; plus strand). Cytogenetic location: 2q35.
Variant type: Deletion.
Coding change: c.536del on transcript NM_000784.4 (MANE Select); coding-DNA position 536, one base deleted (A; older notation c.536delA).
Protein change: p.Asn179fs; shifts the reading frame from asparagine 179.
Molecular consequence: frameshift variant.
Genome position (GRCh38, 1-based): chr2:218,812,311, A deleted; the last of 2 consecutive A bases (chr2:218,812,310-218,812,311); deleting either gives the same sequence. VCF-style (leftmost placement, unchanged base first): chr2-218812309-CA-C. GRCh37 (hg19) VCF-style: chr2-219677032-CA-C.
Other names: short protein forms N179fs.
Identifiers: ClinVar variation 2704216 (VCV002704216.3), dbSNP rs2470226496, ClinGen allele CA2697550454.
Genomic context (GRCh38, chr2:218,812,309, plus strand): 5'-CCAGGCTCTGAACCAGCGGTTGCTGAAGCCAGCGGAAGCAGCGCTCTATACGGATGCTTT[CA>C]ATGAGGTGATTGATGACTTTATGACTCGACTGGACCAGCTGCGGGCAGAGAGTGCTTCGG-3'

ClinVar aggregate classification (germline): Pathogenic (1 of 4 stars; one submission).

Conditions:
Cholestanol storage disease (CTX). Also called: CEREBRAL CHOLESTERINOSIS; Cerebrotendinous Xanthomatosis; CTX: Cerebrotendinous xanthomatosis. Identifiers: Orphanet 909, MedGen C0238052, MONDO:0008948, OMIM 213700.

Submission:

Labcorp Genetics (formerly Invitae), Labcorp
Classification: Pathogenic for Cholestanol storage disease. Last evaluated: 2023-12-19. Review status: criteria provided, single submitter. Criteria: Invitae Variant Classification Sherloc (09022015). Collection method: clinical testing. Allele origin: germline.
Comment: This sequence change creates a premature translational stop signal (p.Asn179Metfs*3) in the CYP27A1 gene. It is expected to result in an absent or disrupted protein product. Loss-of-function variants in CYP27A1 are known to be pathogenic (PMID: 9392430, 10775536, 26937392). This variant is not present in population databases (gnomAD no frequency). This variant has not been reported in the literature in individuals affected with CYP27A1-related conditions. For these reasons, this variant has been classified as Pathogenic.

Literature cited by the submitters: PubMed 9392430; PubMed 10775536; PubMed 26937392.